The following is an entry in ClinVar:

ClinVar aggregate classification (germline): Uncertain significance (1 of 4 stars; one submission).

Conditions:
Inborn genetic diseases. Identifiers: MedGen C0950123, MeSH D030342.

Submission:

Ambry Genetics
Classification: Uncertain significance for Inborn genetic diseases. Last evaluated: 2026-08-17. Review status: criteria provided, single submitter. Criteria: Ambry Variant Classification Scheme 2023. Collection method: clinical testing. Allele origin: germline.
Comment: The p.G363D variant (also known as c.1088G>A), located in coding exon 8 of the RUNX1 gene, results from a G to A substitution at nucleotide position 1088. The glycine at codon 363 is replaced by aspartic acid, an amino acid with similar properties. This amino acid position is conserved. In addition, the in silico prediction for this alteration is inconclusive. Based on the available evidence, the clinical significance of this variant remains unclear.

NM_001754.5(RUNX1):c.1088G>A (p.Gly363Asp)

Gene: RUNX1 (RUNX family transcription factor 1; minus strand). Cytogenetic location: 21q22.12.
Variant type: single nucleotide variant.
Coding change: c.1088G>A on transcript NM_001754.5 (MANE Select); coding-DNA position 1088, G replaced by A.
Protein change: p.Gly363Asp; replaces glycine 363 with aspartic acid.
Molecular consequence: missense variant.
Genome position (GRCh38, 1-based): chr21:34,792,490, C>T on the plus strand (G>A on the coding strand, the complement: RUNX1 is on the minus strand). VCF-style: chr21-34792490-C-T. GRCh37 (hg19) VCF-style: chr21-36164787-C-T.
Other names: c.1007G>A, p.Gly336Asp (NM_001001890.3); short protein forms G363D, G336D.
Identifiers: ClinVar variation 5028604 (VCV005028604.1).
Genomic context (GRCh38, chr21:34,792,490, plus strand): 5'-GGCGGCAGGTAGGTGTGGTAGCGCGTGGCCGAGCCCATGGCCGACATGCCGATGCCGATG[C>T]CCGAGGTGACCGGCGTCGGGGAGTAGGTGAAGGCGCCTGGATAGTGCATGCGGGGGTCGG-3'
Protein context (NP_001745.2, residues 353-373): FTYSPTPVTS[Gly363Asp]IGIGMSAMGS